The following is an entry in ClinVar:

ClinVar aggregate classification (germline): Benign. Review status: criteria provided, multiple submitters, no conflicts (2 of 4 stars). 2 submissions from 2 submitters: Benign (2). Last evaluated 2018-01-13.

Conditions:
Sulfite oxidase deficiency due to molybdenum cofactor deficiency type B1 (MOCODB1). Also called: Molybdenum cofactor deficiency B; Molybdenum cofactor deficiency, complementation group B; MOLYBDENUM COFACTOR DEFICIENCY, TYPE B1; Sulfite oxidase deficiency due to molybdenum cofactor deficiency type B. Identifiers: Orphanet 308393, Orphanet 833, MedGen C6065887, MONDO:0009644, OMIM 252160.

Allele frequency attached by ClinVar (database versions not stated): gnomAD exomes 0.04494; 1000 Genomes Project 0.00919; 1000 Genomes Project 30x 0.00937; TOPMed 0.02056; gnomAD 0.02304 and 0.02408.
gnomAD v4.1: 3,507 of 151,790 alleles (2.3%); highest among the groups gnomAD compares: Non-Finnish European, 3.5%; 52 homozygotes.

Submissions (2):

Illumina Laboratory Services, Illumina
Classification: Benign for Sulfite oxidase deficiency due to molybdenum cofactor deficiency type B1. Last evaluated: 2018-01-13. Review status: criteria provided, single submitter. Criteria: ICSL Variant Classification Criteria 13 December 2019. Collection method: clinical testing. Allele origin: germline.
Comment: This variant was observed in the ICSL laboratory as part of a predisposition screen in an ostensibly healthy population. It had not been previously curated by ICSL or reported in the Human Gene Mutation Database (HGMD: prior to June 1st, 2018), and was therefore a candidate for classification through an automated scoring system. Utilizing variant allele frequency, disease prevalence and penetrance estimates, and inheritance mode, an automated score was calculated to assess if this variant is too frequent to cause the disease. Based on the score and internal cut-off values, a variant classified as benign is not then subjected to further curation. The score for this variant resulted in a classification of benign for this disease.

Breakthrough Genomics
Classification: Benign. Review status: criteria provided, single submitter. Criteria: ACMG Guidelines, 2015. Collection method: not provided. Allele origin: germline. Inheritance: Autosomal recessive inheritance. Affected: yes.

NM_004531.5(MOCS2):c.*566C>T

Gene: MOCS2 (molybdenum cofactor synthesis 2; minus strand). Cytogenetic location: 5q11.2.
Variant type: single nucleotide variant.
Coding change: c.*566C>T on transcript NM_004531.5 (MANE Select); 566 bases downstream of the stop codon, C replaced by T.
Molecular consequence: 3 prime UTR variant.
Genome position (GRCh38, 1-based): chr5:53,098,036, G>A on the plus strand (C>T on the coding strand, the complement: MOCS2 is on the minus strand). VCF-style: chr5-53098036-G-A. GRCh37 (hg19) VCF-style: chr5-52393866-G-A.
Other names: c.*1053C>T (NM_176806.4).
Identifiers: ClinVar variation 903863 (VCV000903863.5), dbSNP rs41308287, ClinGen allele CA118883686.
Genomic context (GRCh38, chr5:53,098,036, plus strand): 5'-TTTCTGGTAAGATTATAGATTCTGAAATCCCAGAAATCTCCATAATGAGAACTATTTTAG[G>A]CAATTTAAAAAAAAAGAAAATACTCTTTTTAAACTTTTGAAATCATGGGTTTTAGTTTAT-3'